The following is an entry in ClinVar:

NM_000179.3(MSH6):c.1035T>C (p.Asn345=)

Gene: MSH6 (mutS homolog 6; plus strand). Cytogenetic location: 2p16.3.
Variant type: single nucleotide variant.
Coding change: c.1035T>C on transcript NM_000179.3 (MANE Select); coding-DNA position 1035, T replaced by C.
Protein change: p.Asn345=; no amino-acid change (asparagine 345 retained).
Molecular consequence: synonymous variant.
Genome position (GRCh38, 1-based): chr2:47,799,018, T>C. VCF-style: chr2-47799018-T-C. GRCh37 (hg19) VCF-style: chr2-48026157-T-C.
Other names: c.645T>C, p.Asn215= (NM_001281492.2); c.129T>C, p.Asn43= (NM_001281493.2, NM_001281494.2).
Identifiers: ClinVar variation 229711 (VCV000229711.22), dbSNP rs765166082, ClinGen allele CA10578056.

ClinVar aggregate classification (germline): Benign/Likely benign. Review status: criteria provided, multiple submitters, no conflicts (2 of 4 stars). 7 submissions from 7 submitters: Benign (1); Likely benign (6). Last evaluated 2025-07-31.

Conditions:
Hereditary nonpolyposis colorectal neoplasms. Identifiers: MedGen C0009405, MeSH D003123.
Hereditary cancer-predisposing syndrome. Also called: Hereditary neoplastic syndrome; Hereditary Cancer Syndrome; Neoplastic Syndromes, Hereditary; Tumor predisposition. Identifiers: Orphanet 140162, MedGen C0027672, MeSH D009386, MONDO:0015356.
Lynch syndrome 5 (LYNCH5). Also called: Colorectal cancer, hereditary nonpolyposis, type 5; Hereditary non-polyposis colorectal cancer, type 5. Identifiers: Orphanet 144, MedGen C1833477, MONDO:0013710, OMIM 614350. Disease mechanism: loss of function.

Allele frequency attached by ClinVar (database versions not stated): TOPMed 0.00001.
gnomAD v4.1: 8 of 1,614,110 alleles (0.0005%); highest among the groups gnomAD compares: African/African-American, 0.0013%; no homozygotes.

Submissions (7):

Labcorp Genetics (formerly Invitae), Labcorp
Classification: Likely benign for Hereditary nonpolyposis colorectal neoplasms. Last evaluated: 2025-07-31. Review status: criteria provided, single submitter. Criteria: Invitae Variant Classification Sherloc (09022015). Collection method: clinical testing. Allele origin: germline.

Myriad Genetics, Inc.
Classification: Benign for Lynch syndrome 5. Last evaluated: 2024-12-20. Review status: criteria provided, single submitter. Criteria: Myriad Autosomal Dominant, Autosomal Recessive and X-Linked Classification Criteria (2023). Collection method: clinical testing. Allele origin: unknown.
Comment: This variant is considered benign. This variant is a silent/synonymous amino acid change and it is not expected to impact splicing.

Women's Health and Genetics/Laboratory Corporation of America, LabCorp
Classification: Likely benign. Last evaluated: 2020-01-31. Review status: criteria provided, single submitter. Criteria: LabCorp Variant Classification Summary - May 2015. Collection method: clinical testing. Allele origin: germline.

GeneDx
Classification: Likely benign. Last evaluated: 2018-04-03. Review status: criteria provided, single submitter. Criteria: GeneDx Variant Classification Process June 2021. Collection method: clinical testing. Allele origin: germline. Affected: yes.

PreventionGenetics, part of Exact Sciences
Classification: Likely benign. Last evaluated: 2017-10-20. Review status: criteria provided, single submitter. Criteria: ACMG Guidelines, 2015. Collection method: clinical testing. Allele origin: germline.

Color Diagnostics, LLC DBA Color Health
Classification: Likely benign for Hereditary cancer-predisposing syndrome. Last evaluated: 2017-04-03. Review status: criteria provided, single submitter. Criteria: ACMG Guidelines, 2015. Collection method: clinical testing. Allele origin: germline.

Ambry Genetics
Classification: Likely benign for Hereditary cancer-predisposing syndrome. Last evaluated: 2014-12-28. Review status: criteria provided, single submitter. Criteria: Ambry Variant Classification Scheme 2023. Collection method: clinical testing. Allele origin: germline.